The following is an entry in ClinVar:

ClinVar aggregate classification (germline): Uncertain significance (1 of 4 stars; one submission).

Conditions:
Early-infantile DEE. Also called: Ohtahara syndrome; Early infantile epileptic encephalopathy with suppression bursts; Early infantile epileptic encephalopathy. Identifiers: Orphanet 1934, MedGen C0393706, MONDO:0800491.

Allele frequency attached by ClinVar (database versions not stated): gnomAD 0.00001; gnomAD exomes 0.00001; TOPMed 0.00001.
gnomAD v4.1: 8 of 1,613,826 alleles (0.0005%); highest among the groups gnomAD compares: Non-Finnish European, 0.00068%; no homozygotes.

Submission:

Labcorp Genetics (formerly Invitae), Labcorp
Classification: Uncertain significance for Early-infantile DEE. Last evaluated: 2023-10-13. Review status: criteria provided, single submitter. Criteria: Invitae Variant Classification Sherloc (09022015). Collection method: clinical testing. Allele origin: germline.
Comment: This sequence change replaces isoleucine, which is neutral and non-polar, with phenylalanine, which is neutral and non-polar, at codon 389 of the SCN8A protein (p.Ile389Phe). This variant is not present in population databases (gnomAD no frequency). This variant has not been reported in the literature in individuals affected with SCN8A-related conditions. ClinVar contains an entry for this variant (Variation ID: 1052865). Advanced modeling of protein sequence and biophysical properties (such as structural, functional, and spatial information, amino acid conservation, physicochemical variation, residue mobility, and thermodynamic stability) performed at Invitae indicates that this missense variant is expected to disrupt SCN8A protein function. In summary, the available evidence is currently insufficient to determine the role of this variant in disease. Therefore, it has been classified as a Variant of Uncertain Significance.

NM_001330260.2(SCN8A):c.1165A>T (p.Ile389Phe)

Gene: SCN8A (sodium voltage-gated channel alpha subunit 8; plus strand). Cytogenetic location: 12q13.13.
Variant type: single nucleotide variant.
Coding change: c.1165A>T on transcript NM_001330260.2 (MANE Select); coding-DNA position 1165, A replaced by T.
Protein change: p.Ile389Phe; replaces isoleucine 389 with phenylalanine.
Molecular consequence: missense variant.
Genome position (GRCh38, 1-based): chr12:51,705,447, A>T. VCF-style: chr12-51705447-A-T. GRCh37 (hg19) VCF-style: chr12-52099231-A-T.
Other names: c.1165A>T, p.Ile389Phe (NM_001177984.3, NM_001369788.1, NM_014191.4); short protein forms I389F.
Identifiers: ClinVar variation 1052865 (VCV001052865.10), dbSNP rs1334454056, ClinGen allele CA385227614.